The following is an entry in ClinVar:

NM_002968.3(SALL1):c.5C>G (p.Ser2Trp)

Gene: SALL1 (spalt like transcription factor 1; minus strand). Cytogenetic location: 16q12.1.
Variant type: single nucleotide variant.
Coding change: c.5C>G on transcript NM_002968.3 (MANE Select); coding-DNA position 5, C replaced by G.
Protein change: p.Ser2Trp; replaces serine 2 with tryptophan.
Molecular consequence: missense variant.
Genome position (GRCh38, 1-based): chr16:51,151,237, G>C on the plus strand (C>G on the coding strand, the complement: SALL1 is on the minus strand). VCF-style: chr16-51151237-G-C. GRCh37 (hg19) VCF-style: chr16-51185148-G-C.
Other names: short protein forms S2W.
Identifiers: ClinVar variation 3769966 (VCV003769966.1).

ClinVar aggregate classification (germline): Uncertain significance (1 of 4 stars; one submission).

Submission:

GeneDx
Classification: Uncertain significance. Last evaluated: 2024-09-13. Review status: criteria provided, single submitter. Criteria: GeneDx Variant Classification Process June 2021. Collection method: clinical testing. Allele origin: germline. Affected: yes.
Comment: Not observed at significant frequency in large population cohorts (gnomAD); In silico analysis supports that this missense variant has a deleterious effect on protein structure/function; Has not been previously published as pathogenic or benign to our knowledge